The following is an entry in ClinVar:

ClinVar aggregate classification (germline): Likely benign. Review status: criteria provided, multiple submitters, no conflicts (2 of 4 stars). 2 submissions from 2 submitters: Likely benign (2). Last evaluated 2024-05-30.

Conditions:
Familial cancer of breast. Also called: Hereditary breast cancer; BREAST CANCER, FAMILIAL; hereditary breast carcinoma. Identifiers: Orphanet 227535, MedGen C0346153, MONDO:0016419, OMIM 114480. Disease mechanism: loss of function.

Submissions (2):

Myriad Genetics, Inc.
Classification: Likely benign for Familial cancer of breast. Last evaluated: 2024-05-30. Review status: criteria provided, single submitter. Criteria: Myriad Autosomal Dominant, Autosomal Recessive and X-Linked Classification Criteria (2023). Collection method: clinical testing. Allele origin: unknown.
Comment: This variant is considered likely benign. This variant is intronic and is not expected to impact mRNA splicing.

GeneDx
Classification: Likely benign. Last evaluated: 2016-11-29. Review status: criteria provided, single submitter. Criteria: GeneDx Variant Classification (06012015). Collection method: clinical testing. Allele origin: germline. Affected: yes.
Comment: This variant is considered likely benign or benign based on one or more of the following criteria: it is a conservative change, it occurs at a poorly conserved position in the protein, it is predicted to be benign by multiple in silico algorithms, and/or has population frequency not consistent with disease.

NM_000051.4(ATM):c.6007-8G>A

Genes: ATM (ATM serine/threonine kinase; plus strand), C11orf65 (chromosome 11 open reading frame 65; minus strand). Cytogenetic location: 11q22.3.
Variant type: single nucleotide variant.
Coding change: c.6007-8G>A on transcript NM_000051.4 (MANE Select); 8 bases into the intron before coding-DNA position 6007, G replaced by A.
Molecular consequence: intron variant.
Genome position (GRCh38, 1-based): chr11:108,315,815, G>A. VCF-style: chr11-108315815-G-A. GRCh37 (hg19) VCF-style: chr11-108186542-G-A.
Other names: c.6007-8G>A (NM_001351834.2); c.641-6744C>T (NM_001330368.2); c.*39-6744C>T (NM_001351110.2).
Identifiers: ClinVar variation 391366 (VCV000391366.4), dbSNP rs1057524058, ClinGen allele CA16606833.
Genomic context (GRCh38, chr11:108,315,815, plus strand): 5'-TAAAATTTGCTAAATTTATAGACCGATTTTTTTTCCTTCTTCAATTTTTGTTGTTTCCAT[G>A]TTTTCAGGATCTTCTCTTAGAAATCTACAGAAGTATAGGGGAGCCAGATAGTTTGTATGG-3'